The following is an entry in ClinVar:

ClinVar aggregate classification (germline): Conflicting classifications of pathogenicity. Review status: criteria provided, conflicting classifications (1 of 4 stars). 2 submissions from 2 submitters: Uncertain significance (1); Likely benign (1). Last evaluated 2024-11-21.

Conditions:
Inborn genetic diseases. Identifiers: MedGen C0950123, MeSH D030342.

Allele frequency attached by ClinVar (database versions not stated): ExAC 0.00001; gnomAD 0.00003; TOPMed 0.00003; gnomAD exomes 0.00008; ESP Exome Variant Server 0.00015.
gnomAD v4.1: 123 of 1,612,586 alleles (0.0076%); highest among the groups gnomAD compares: Non-Finnish European, 0.0098%; no homozygotes.

Submissions (2):

Ambry Genetics
Classification: Likely benign for Inborn genetic diseases. Last evaluated: 2024-11-21. Review status: criteria provided, single submitter. Criteria: Ambry Variant Classification Scheme 2023. Collection method: clinical testing. Allele origin: germline.

Labcorp Genetics (formerly Invitae), Labcorp
Classification: Uncertain significance. Last evaluated: 2022-05-07. Review status: criteria provided, single submitter. Criteria: Invitae Variant Classification Sherloc (09022015). Collection method: clinical testing. Allele origin: germline.
Comment: This sequence change replaces serine, which is neutral and polar, with leucine, which is neutral and non-polar, at codon 2146 of the DMXL2 protein (p.Ser2146Leu). This variant is present in population databases (rs143319761, gnomAD 0.005%). This variant has not been reported in the literature in individuals affected with DMXL2-related conditions. Algorithms developed to predict the effect of missense changes on protein structure and function output the following: SIFT: "Tolerated"; PolyPhen-2: "Benign"; Align-GVGD: "Class C0". The leucine amino acid residue is found in multiple mammalian species, which suggests that this missense change does not adversely affect protein function. In summary, the available evidence is currently insufficient to determine the role of this variant in disease. Therefore, it has been classified as a Variant of Uncertain Significance.

NM_001378457.1(DMXL2):c.6437C>T (p.Ser2146Leu)

Gene: DMXL2 (Dmx like 2; minus strand). Cytogenetic location: 15q21.2.
Variant type: single nucleotide variant.
Coding change: c.6437C>T on transcript NM_001378457.1 (MANE Select); coding-DNA position 6437, C replaced by T.
Protein change: p.Ser2146Leu; replaces serine 2146 with leucine.
Molecular consequence: missense variant. On other transcripts: non-coding transcript variant (2).
Genome position (GRCh38, 1-based): chr15:51,480,669, G>A on the plus strand (C>T on the coding strand, the complement: DMXL2 is on the minus strand). VCF-style: chr15-51480669-G-A. GRCh37 (hg19) VCF-style: chr15-51772866-G-A.
Other names: c.6437C>T, p.Ser2146Leu (NM_001174116.3, NM_001378458.1, NM_001378459.1 and 4 more transcripts); c.4529C>T, p.Ser1510Leu (NM_001174117.3); c.4418C>T, p.Ser1473Leu (NM_001378460.1); c.6197C>T, p.Ser2066Leu (NM_001378464.1); c.6437C>T (NM_001174116.1); short protein forms S2066L, S1510L, S2146L, S1473L.
Identifiers: ClinVar variation 2061057 (VCV002061057.2), dbSNP rs143319761, ClinGen allele CA7561633.